The following is an entry in ClinVar:

NM_000322.5(PRPH2):c.*839G>A

Gene: PRPH2 (peripherin 2; minus strand). Cytogenetic location: 6p21.1.
Variant type: single nucleotide variant.
Coding change: c.*839G>A on transcript NM_000322.5 (MANE Select); 839 bases downstream of the stop codon, G replaced by A.
Molecular consequence: 3 prime UTR variant.
Genome position (GRCh38, 1-based): chr6:42,697,456, C>T on the plus strand (G>A on the coding strand, the complement: PRPH2 is on the minus strand). VCF-style: chr6-42697456-C-T. GRCh37 (hg19) VCF-style: chr6-42665194-C-T.
Identifiers: ClinVar variation 356760 (VCV000356760.8), dbSNP rs73426405, ClinGen allele CA10622101.

ClinVar aggregate classification (germline): Benign. Review status: criteria provided, multiple submitters, no conflicts (2 of 4 stars). 7 submissions from 2 submitters: Benign (7). Last evaluated 2021-05-24.

Conditions:
Cone-rod dystrophy. Also called: Cone-rod degeneration; Cone/cone-rod dystrophy. Identifiers: Orphanet 1872, MedGen C4085590, MONDO:0015993, HP:0000548.
Patterned macular dystrophy 1. Also called: BUTTERFLY DYSTROPHY OF RETINAL PIGMENT EPITHELIUM; MACULAR DYSTROPHY, BUTTERFLY-SHAPED PIGMENTARY. Identifiers: Orphanet 99001, MedGen C4551999, MONDO:0008210, OMIM 169150.
Choroidal dystrophy, central areolar 2 (CACD2). Also called: MACULAR DYSTROPHY, PROGRESSIVE; Choriodal Dystrophy, Central Areolar 2. Identifiers: Orphanet 75377, MedGen C2751290, MONDO:0013137, OMIM 613105.
Pigmentary retinal dystrophy. Also called: Fundus albipunctatus. Identifiers: Orphanet 227796, Orphanet 52427, MedGen C0311338, MONDO:0007639, OMIM 136880, HP:0030642.
Retinitis pigmentosa (RP). Identifiers: Orphanet 791, MedGen C0035334, MeSH D012174, MONDO:0019200, OMIM 268000. Inheritance: Autosomal dominant, autosomal recessive and X linked inheritance.
Adult-onset foveomacular vitelliform dystrophy. Also called: FOVEOMACULAR DYSTROPHY, ADULT-ONSET; FOVEOMACULAR DYSTROPHY, ADULT-ONSET, WITH OR WITHOUT CHOROIDAL NEOVASCULARIZATION; Adult onset vitelliform dystrophy. Identifiers: Orphanet 99000, MedGen C1842914, MONDO:0011979.

Allele frequency attached by ClinVar (database versions not stated): gnomAD exomes 0.01099; gnomAD 0.01994 and 0.02142; 1000 Genomes Project 0.01997; TOPMed 0.02257.
gnomAD v4.1: 2,994 of 152,244 alleles (2%); highest among the groups gnomAD compares: African/African-American, 7%; 99 homozygotes.

Submissions (7):

GeneDx
Classification: Benign. Last evaluated: 2021-05-24. Review status: criteria provided, single submitter. Criteria: GeneDx Variant Classification Process June 2021. Collection method: clinical testing. Allele origin: germline. Affected: yes.

Illumina Laboratory Services, Illumina
Classification: Benign for Vitelliform macular dystrophy 3. Last evaluated: 2018-01-12. Review status: criteria provided, single submitter. Criteria: ICSL Variant Classification Criteria 13 December 2019. Collection method: clinical testing. Allele origin: germline.
Comment: This variant was observed in the ICSL laboratory as part of a predisposition screen in an ostensibly healthy population. It had not been previously curated by ICSL or reported in the Human Gene Mutation Database (HGMD: prior to June 1st, 2018), and was therefore a candidate for classification through an automated scoring system. Utilizing variant allele frequency, disease prevalence and penetrance estimates, and inheritance mode, an automated score was calculated to assess if this variant is too frequent to cause the disease. Based on the score and internal cut-off values, a variant classified as benign is not then subjected to further curation. The score for this variant resulted in a classification of benign for this disease.

Illumina Laboratory Services, Illumina
Classification: Benign for Patterned macular dystrophy 1. Last evaluated: 2018-01-12. Review status: criteria provided, single submitter. Criteria: ICSL Variant Classification Criteria 13 December 2019. Collection method: clinical testing. Allele origin: germline.
Comment: the same text as in the submission from Illumina Laboratory Services, Illumina above.

Illumina Laboratory Services, Illumina
Classification: Benign for Pigmentary retinal dystrophy. Last evaluated: 2018-01-12. Review status: criteria provided, single submitter. Criteria: ICSL Variant Classification Criteria 13 December 2019. Collection method: clinical testing. Allele origin: germline.
Comment: the same text as in the submission from Illumina Laboratory Services, Illumina above.

Illumina Laboratory Services, Illumina
Classification: Benign for Cone-rod dystrophy. Last evaluated: 2018-01-12. Review status: criteria provided, single submitter. Criteria: ICSL Variant Classification Criteria 13 December 2019. Collection method: clinical testing. Allele origin: germline.
Comment: the same text as in the submission from Illumina Laboratory Services, Illumina above.

Illumina Laboratory Services, Illumina
Classification: Benign for Choroidal dystrophy, central areolar 2. Last evaluated: 2018-01-12. Review status: criteria provided, single submitter. Criteria: ICSL Variant Classification Criteria 13 December 2019. Collection method: clinical testing. Allele origin: germline.
Comment: the same text as in the submission from Illumina Laboratory Services, Illumina above.

Illumina Laboratory Services, Illumina
Classification: Benign for Retinitis pigmentosa. Last evaluated: 2018-01-12. Review status: criteria provided, single submitter. Criteria: ICSL Variant Classification Criteria 13 December 2019. Collection method: clinical testing. Allele origin: germline.
Comment: the same text as in the submission from Illumina Laboratory Services, Illumina above.